The following is an entry in ClinVar:

NM_014244.5(ADAMTS2):c.1102C>T (p.Arg368Trp)

Gene: ADAMTS2 (ADAM metallopeptidase with thrombospondin type 1 motif 2; minus strand). Cytogenetic location: 5q35.3.
Variant type: single nucleotide variant.
Coding change: c.1102C>T on transcript NM_014244.5 (MANE Select); coding-DNA position 1102, C replaced by T.
Protein change: p.Arg368Trp; replaces arginine 368 with tryptophan.
Molecular consequence: missense variant.
Genome position (GRCh38, 1-based): chr5:179,158,753, G>A on the plus strand (C>T on the coding strand, the complement: ADAMTS2 is on the minus strand). VCF-style: chr5-179158753-G-A. GRCh37 (hg19) VCF-style: chr5-178585754-G-A.
Other names: c.1102C>T (NM_014244.4); c.1102C>T, p.Arg368Trp (NM_021599.4); short protein forms R368W.
Identifiers: ClinVar variation 1513474 (VCV001513474.7), dbSNP rs371384169, ClinGen allele CA3596041.
Genomic context (GRCh38, chr5:179,158,753, plus strand): 5'-CCTCTGTGGCCCTGCATGGGTGAGGCTCACCTTGCATGCCGGAAGGCCCAAAGTCCTGCC[G>A]TGTGAGGAAGATGGCGTGATCGTGGTATTCATCGTGGCCCGTGTCTGGCTTCTGCTGGAG-3'
Protein context (NP_055059.2, residues 358-378): EYHDHAIFLT[Arg368Trp]QDFGPSGMQG

ClinVar aggregate classification (germline): Uncertain significance. Review status: criteria provided, multiple submitters, no conflicts (2 of 4 stars). 2 submissions from 2 submitters: Uncertain significance (2). Last evaluated 2025-04-09.

Conditions:
Inborn genetic diseases. Identifiers: MedGen C0950123, MeSH D030342.
Ehlers-Danlos syndrome, dermatosparaxis type. Also called: EDS VIIC; Ehlers-Danlos syndrome, type VII, autosomal recessive; Dermatosparaxis. Identifiers: Orphanet 1901, MedGen C2700425, MONDO:0009161, OMIM 225410.

Allele frequency attached by ClinVar (database versions not stated): gnomAD exomes below 0.00001; ExAC 0.00001; ESP Exome Variant Server 0.00008.

Submissions (2):

Labcorp Genetics (formerly Invitae), Labcorp
Classification: Uncertain significance for Ehlers-Danlos syndrome, dermatosparaxis type. Last evaluated: 2025-04-09. Review status: criteria provided, single submitter. Criteria: Invitae Variant Classification Sherloc (09022015). Collection method: clinical testing. Allele origin: germline.
Comment: This sequence change replaces arginine, which is basic and polar, with tryptophan, which is neutral and slightly polar, at codon 368 of the ADAMTS2 protein (p.Arg368Trp). This variant is present in population databases (rs371384169, gnomAD 0.0009%). This variant has not been reported in the literature in individuals affected with ADAMTS2-related conditions. ClinVar contains an entry for this variant (Variation ID: 1513474). An algorithm developed to predict the effect of missense changes on protein structure and function (PolyPhen-2) suggests that this variant is likely to be disruptive. In summary, the available evidence is currently insufficient to determine the role of this variant in disease. Therefore, it has been classified as a Variant of Uncertain Significance.

Ambry Genetics
Classification: Uncertain significance for Inborn genetic diseases. Last evaluated: 2024-07-10. Review status: criteria provided, single submitter. Criteria: Ambry Variant Classification Scheme 2023. Collection method: clinical testing. Allele origin: germline.